The following is an entry in ClinVar:

ClinVar aggregate classification (germline): Uncertain significance. Review status: criteria provided, single submitter (1 of 4 stars). 2 submissions from 2 submitters: Uncertain significance (1). 1 of the submissions does not count toward it. Last evaluated 2020-11-02.

Conditions:
Primary dilated cardiomyopathy (DCM). Also called: Dilated Cardiomyopathy. Identifiers: Orphanet 217604, MedGen C0007193, MeSH D002311, MONDO:0005021, HP:0001644. Inheritance: Various modes of inheritance.

Submissions (2):

Labcorp Genetics (formerly Invitae), Labcorp
Classification: Uncertain significance. Last evaluated: 2020-11-02. Review status: criteria provided, single submitter. Criteria: Invitae Variant Classification Sherloc (09022015). Collection method: clinical testing. Allele origin: germline.
Comment: In summary, the available evidence is currently insufficient to determine the role of this variant in disease. Therefore, it has been classified as a Variant of Uncertain Significance. Experimental studies and prediction algorithms are not available or were not evaluated, and the functional significance of this variant is currently unknown. This variant has not been reported in the literature in individuals with CTF1-related conditions. ClinVar contains an entry for this variant (Variation ID: 689586). The frequency data for this variant in the population databases is considered unreliable, as metrics indicate insufficient coverage at this position in the ExAC database. This sequence change creates a premature translational stop signal (p.Ala156Argfs*82) in the CTF1 gene. While this is not anticipated to result in nonsense mediated decay, it is expected to disrupt the last 46 amino acid(s) of the CTF1 protein.

Institute of Human Genetics, University of Wuerzburg
Classification: Uncertain significance for Primary dilated cardiomyopathy. Review status: no assertion criteria provided. Collection method: clinical testing. Allele origin: unknown. Not counted in ClinVar's aggregate classification.

NM_001330.5(CTF1):c.465dup (p.Ala156fs)

Genes: CTF1 (cardiotrophin 1; plus strand), LOC130058878 (ATAC-STARR-seq lymphoblastoid silent region 7400; plus strand). Cytogenetic location: 16p11.2.
Variant type: Duplication.
Coding change: c.465dup on transcript NM_001330.5 (MANE Select); coding-DNA position 465, one base duplicated (C; older notation c.465dupC).
Protein change: p.Ala156fs; shifts the reading frame from alanine 156.
Molecular consequence: frameshift variant. On other transcripts: non-coding transcript variant (1).
Genome position (GRCh38, 1-based): chr16:30,902,398, C duplicated; the last of 6 consecutive C bases (chr16:30,902,393-30,902,398); duplicating any one gives the same sequence. VCF-style (leftmost placement, unchanged base first): chr16-30902392-G-GC. GRCh37 (hg19) VCF-style: chr16-30913713-G-GC.
Other names: c.462dup, p.Ala155fs (NM_001142544.3); short protein forms A155fs, A156fs.
Identifiers: ClinVar variation 689586 (VCV000689586.9), dbSNP rs1218236539, ClinGen allele CA622170546.